The following is an entry in ClinVar:

ClinVar aggregate classification (germline): Uncertain significance. Review status: criteria provided, multiple submitters, no conflicts (2 of 4 stars). 3 submissions from 3 submitters: Uncertain significance (2). 1 of the submissions does not count toward it. Last evaluated 2017-08-01.

Conditions:
ARHGEF28-related disorder. Also called: ARHGEF28-related condition.

Allele frequency attached by ClinVar (database versions not stated): 1000 Genomes Project 30x 0.00016; 1000 Genomes Project 0.00020; TOPMed 0.00066; ESP Exome Variant Server 0.00067; gnomAD 0.00103 and 0.00119; gnomAD exomes 0.00113; ExAC 0.00292.
gnomAD v4.1: 1,675 of 1,593,642 alleles (0.11%); highest among the groups gnomAD compares: Non-Finnish European, 0.11%; 2 homozygotes.

Submissions (3):

CeGaT Center for Human Genetics Tuebingen
Classification: Uncertain significance. Last evaluated: 2017-08-01. Review status: criteria provided, single submitter. Criteria: CeGaT Center For Human Genetics Tuebingen Variant Classification Criteria Version 2. Collection method: clinical testing. Allele origin: germline. Affected: yes. Observed: 2 variant alleles.

Breakthrough Genomics
Classification: Uncertain significance. Review status: criteria provided, single submitter. Criteria: ACMG Guidelines, 2015. Collection method: not provided. Allele origin: germline. Inheritance: Unknown mechanism. Affected: yes.

PreventionGenetics, part of Exact Sciences
Classification: Likely benign for ARHGEF28-related condition. Last evaluated: 2021-02-04. Review status: no assertion criteria provided. Collection method: clinical testing. Allele origin: germline. Not counted in ClinVar's aggregate classification.
Comment: This variant is classified as likely benign based on ACMG/AMP sequence variant interpretation guidelines (Richards et al. 2015 PMID: 25741868, with internal and published modifications).

NM_001177693.2(ARHGEF28):c.4664G>A (p.Arg1555Gln)

Gene: ARHGEF28 (Rho guanine nucleotide exchange factor 28; plus strand). Cytogenetic location: 5q13.2.
Variant type: single nucleotide variant.
Coding change: c.4664G>A on transcript NM_001177693.2 (MANE Select); coding-DNA position 4664, G replaced by A.
Protein change: p.Arg1555Gln; replaces arginine 1555 with glutamine.
Molecular consequence: missense variant.
Genome position (GRCh38, 1-based): chr5:73,911,291, G>A. VCF-style: chr5-73911291-G-A. GRCh37 (hg19) VCF-style: chr5-73207116-G-A.
Other names: c.4664G>A, p.Arg1555Gln (NM_001080479.3, NM_001388078.1); c.3725G>A, p.Arg1242Gln (NM_001244364.2); c.4370G>A, p.Arg1457Gln (NM_001388076.1); c.4664G>A (NM_001080479.2); short protein forms R1555Q, R1242Q, R1457Q.
Identifiers: ClinVar variation 809770 (VCV000809770.44), dbSNP rs201626401, ClinGen allele CA3305408.